The following is an entry in ClinVar:

ClinVar aggregate classification (germline): Uncertain significance (1 of 4 stars; one submission).

Submission:

Labcorp Genetics (formerly Invitae), Labcorp
Classification: Uncertain significance. Last evaluated: 2022-01-05. Review status: criteria provided, single submitter. Criteria: Invitae Variant Classification Sherloc (09022015). Collection method: clinical testing. Allele origin: germline.
Comment: This sequence change replaces valine, which is neutral and non-polar, with isoleucine, which is neutral and non-polar, at codon 714 of the EYS protein (p.Val714Ile). This variant is not present in population databases (gnomAD no frequency). This variant has not been reported in the literature in individuals affected with EYS-related conditions. ClinVar contains an entry for this variant (Variation ID: 863329). Algorithms developed to predict the effect of missense changes on protein structure and function output the following: SIFT: "Tolerated"; PolyPhen-2: "Possibly Damaging"; Align-GVGD: "Class C0". The isoleucine amino acid residue is found in multiple mammalian species, which suggests that this missense change does not adversely affect protein function. In summary, the available evidence is currently insufficient to determine the role of this variant in disease. Therefore, it has been classified as a Variant of Uncertain Significance.

NM_001142800.2(EYS):c.2140G>A (p.Val714Ile)

Gene: EYS (eyes shut homolog; minus strand). Cytogenetic location: 6q12.
Variant type: single nucleotide variant.
Coding change: c.2140G>A on transcript NM_001142800.2 (MANE Select); coding-DNA position 2140, G replaced by A.
Protein change: p.Val714Ile; replaces valine 714 with isoleucine.
Molecular consequence: missense variant.
Genome position (GRCh38, 1-based): chr6:64,997,701, C>T on the plus strand (G>A on the coding strand, the complement: EYS is on the minus strand). VCF-style: chr6-64997701-C-T. GRCh37 (hg19) VCF-style: chr6-65707594-C-T.
Other names: c.2140G>A, p.Val714Ile (NM_001292009.2); short protein forms V714I.
Identifiers: ClinVar variation 863329 (VCV000863329.5), dbSNP rs1771314601, ClinGen allele CA364788579.